The following is an entry in ClinVar:

ClinVar aggregate classification (germline): Uncertain significance (1 of 4 stars; one submission).

Submission:

Labcorp Genetics (formerly Invitae), Labcorp
Classification: Uncertain significance. Last evaluated: 2024-12-12. Review status: criteria provided, single submitter. Criteria: Invitae Variant Classification Sherloc (09022015). Collection method: clinical testing. Allele origin: germline.
Comment: This sequence change replaces valine, which is neutral and non-polar, with isoleucine, which is neutral and non-polar, at codon 134 of the ARHGAP31 protein (p.Val134Ile). This variant is not present in population databases (gnomAD no frequency). This variant has not been reported in the literature in individuals affected with ARHGAP31-related conditions. An algorithm developed to predict the effect of missense changes on protein structure and function outputs the following: PolyPhen-2: "Benign". The isoleucine amino acid residue is found in multiple mammalian species, which suggests that this missense change does not adversely affect protein function. In summary, the available evidence is currently insufficient to determine the role of this variant in disease. Therefore, it has been classified as a Variant of Uncertain Significance.

NM_020754.4(ARHGAP31):c.400G>A (p.Val134Ile)

Gene: ARHGAP31 (Rho GTPase activating protein 31; plus strand). Cytogenetic location: 3q13.33.
Variant type: single nucleotide variant.
Coding change: c.400G>A on transcript NM_020754.4 (MANE Select); coding-DNA position 400, G replaced by A.
Protein change: p.Val134Ile; replaces valine 134 with isoleucine.
Molecular consequence: missense variant.
Genome position (GRCh38, 1-based): chr3:119,380,955, G>A. VCF-style: chr3-119380955-G-A. GRCh37 (hg19) VCF-style: chr3-119099802-G-A.
Other names: short protein forms V134I.
Identifiers: ClinVar variation 3725153 (VCV003725153.2).